The following is an entry in ClinVar:

NM_000053.4(ATP7B):c.4378G>T (p.Asp1460Tyr)

Gene: ATP7B (ATPase copper transporting beta; minus strand). Cytogenetic location: 13q14.3.
Variant type: single nucleotide variant.
Coding change: c.4378G>T on transcript NM_000053.4 (MANE Select); coding-DNA position 4378, G replaced by T.
Protein change: p.Asp1460Tyr; replaces aspartic acid 1460 with tyrosine.
Molecular consequence: missense variant.
Genome position (GRCh38, 1-based): chr13:51,934,776, C>A on the plus strand (G>T on the coding strand, the complement: ATP7B is on the minus strand). VCF-style: chr13-51934776-C-A. GRCh37 (hg19) VCF-style: chr13-52508912-C-A.
Other names: c.3757G>T, p.Asp1253Tyr (NM_001005918.3); c.4045G>T, p.Asp1349Tyr (NM_001243182.2); c.4144G>T, p.Asp1382Tyr (NM_001330578.2, NM_001406527.1, NM_001406528.1); c.4126G>T, p.Asp1376Tyr (NM_001330579.2, NM_001406531.1, NM_001406532.1); c.4378G>T, p.Asp1460Tyr (NM_001406511.1, NM_001406512.1); c.4372G>T, p.Asp1458Tyr (NM_001406513.1); c.4345G>T, p.Asp1449Tyr (NM_001406514.1); c.4324G>T, p.Asp1442Tyr (NM_001406515.1, NM_001406516.1); and 21 more; short protein forms D1030Y, D1179Y, D1233Y, D1244Y, D1253Y, D1266Y, D1296Y, D1298Y.
Identifiers: ClinVar variation 3075566 (VCV003075566.1), dbSNP rs2547539395, ClinGen allele CA388018698.

ClinVar aggregate classification (germline): Uncertain significance (1 of 4 stars; one submission).

Conditions:
Wilson disease (WND). Also called: Wilson's disease. Identifiers: Orphanet 905, MedGen C0019202, MONDO:0010200, OMIM 277900. Disease mechanism: loss of function.

Submission:

All of Us Research Program, National Institutes of Health
Classification: Uncertain significance for Wilson disease. Last evaluated: 2024-01-03. Review status: criteria provided, single submitter. Criteria: ACMG Guidelines, 2015. Collection method: clinical testing. Allele origin: germline. Inheritance: Autosomal recessive inheritance. Observed: 1 variant allele, 1 heterozygote.
Comment: This missense variant replaces aspartic acid with tyrosine at codon 1460 of the ATP7B protein. Computational prediction suggests that this variant may not impact protein structure and function (internally defined REVEL score threshold <= 0.5, PMID: 27666373). To our knowledge, functional studies have not been reported for this variant. This variant has been observed in the compound heterozygous state in an individual affected with autosomal recessive Wilson disease (PMID: 33640437), indicating that this variant contributes to disease. This variant has not been identified in the general population by the Genome Aggregation Database (gnomAD). The available evidence is insufficient to determine the role of this variant in disease conclusively. Therefore, this variant is classified as a Variant of Uncertain Significance.

This study involves interpretation of variants in research participants for the purpose of population health screening. Participant phenotype was not available at the time of variant classification. Additional details can be found in publication PMID: 35346344, PMCID: PMC8962531

Literature cited by the submitters: PubMed 33640437.